The following is an entry in ClinVar:

NM_001374353.1(GLI2):c.-8C>T

Gene: GLI2 (GLI family zinc finger 2; plus strand). Cytogenetic location: 2q14.2.
Variant type: single nucleotide variant.
Coding change: c.-8C>T on transcript NM_001374353.1 (MANE Select); 8 bases upstream of the start codon, C replaced by T.
Molecular consequence: 5 prime UTR variant.
Genome position (GRCh38, 1-based): chr2:120,797,313, C>T. VCF-style: chr2-120797313-C-T. GRCh37 (hg19) VCF-style: chr2-121554889-C-T.
Other names: c.-8C>T (NM_001371271.1, NM_005270.5); c.-277C>T (NM_001374354.1).
Identifiers: ClinVar variation 3053997 (VCV003053997.3), dbSNP rs200723250, ClinGen allele CA1851368.

ClinVar aggregate classification (germline): Likely benign. Review status: criteria provided, single submitter (1 of 4 stars). 2 submissions from 2 submitters: Likely benign (1). 1 of the submissions does not count toward it. Last evaluated 2021-03-02.

Conditions:
GLI2-related disorder. Also called: GLI2-related condition; GLI2-related disorders.

Allele frequency attached by ClinVar (database versions not stated): gnomAD 0.00009; TOPMed 0.00011; 1000 Genomes Project 30x 0.00016; 1000 Genomes Project 0.00020.
gnomAD v4.1: 98 of 1,613,676 alleles (0.0061%); highest among the groups gnomAD compares: East Asian, 0.06%; no homozygotes.

Submissions (2):

Blueprint Genetics
Classification: Likely benign. Last evaluated: 2021-03-02. Review status: criteria provided, single submitter. Criteria: ACMG Guidelines, 2015. Collection method: clinical testing. Allele origin: germline.

PreventionGenetics, part of Exact Sciences
Classification: Likely benign for GLI2-related condition. Last evaluated: 2023-04-26. Review status: no assertion criteria provided. Collection method: clinical testing. Allele origin: germline. Not counted in ClinVar's aggregate classification.
Comment: This variant is classified as likely benign based on ACMG/AMP sequence variant interpretation guidelines (Richards et al. 2015 PMID: 25741868, with internal and published modifications).